The following is an entry in ClinVar:

NM_022124.6(CDH23):c.5919C>T (p.Pro1973=)

Gene: CDH23 (cadherin related 23; plus strand). Cytogenetic location: 10q22.1.
Variant type: single nucleotide variant.
Coding change: c.5919C>T on transcript NM_022124.6 (MANE Select); coding-DNA position 5919, C replaced by T.
Protein change: p.Pro1973=; no amino-acid change (proline 1973 retained).
Molecular consequence: synonymous variant.
Genome position (GRCh38, 1-based): chr10:71,789,038, C>T. VCF-style: chr10-71789038-C-T. GRCh37 (hg19) VCF-style: chr10-73548795-C-T.
Identifiers: ClinVar variation 227230 (VCV000227230.34), dbSNP rs752519912, ClinGen allele CA5545918.
Genomic context (GRCh38, chr10:71,789,038, plus strand): 5'-TGACAACCACCCCCTCTTCACTAAAAGCACCTACCAGGCAGAGGTGATGGAAAACTCTCC[C>T]GCTGGTAGGTGCTGGGCCCACCCGGGAGCTCCTGCTGTTGCCAGGCACCACTGGGGCCTG-3'
Protein context (NP_071407.4, residues 1963-1983): TYQAEVMENS[Pro1973=]AGTPLTVLNG

ClinVar aggregate classification (germline): Likely benign. Review status: criteria provided, multiple submitters, no conflicts (2 of 4 stars). 5 submissions from 5 submitters: Likely benign (4). 1 of the submissions does not count toward it. Last evaluated 2026-01-25.

Conditions:
CDH23-related disorder. Also called: CDH23-related disorders; CDH23-related condition.

Allele frequency attached by ClinVar (database versions not stated): gnomAD 0.00004; ExAC 0.00005; gnomAD exomes 0.00005; TOPMed 0.00006.
gnomAD v4.1: 50 of 1,533,630 alleles (0.0033%); highest among the groups gnomAD compares: Middle Eastern, 0.034%; no homozygotes.

Submissions (5):

Labcorp Genetics (formerly Invitae), Labcorp
Classification: Likely benign. Last evaluated: 2026-01-25. Review status: criteria provided, single submitter. Criteria: Invitae Variant Classification Sherloc (09022015). Collection method: clinical testing. Allele origin: germline.

Blueprint Genetics
Classification: Likely benign. Last evaluated: 2024-06-18. Review status: criteria provided, single submitter. Criteria: ACMG Guidelines, 2015. Collection method: clinical testing. Allele origin: germline.

CeGaT Center for Human Genetics Tuebingen
Classification: Likely benign. Last evaluated: 2024-06-01. Review status: criteria provided, single submitter. Criteria: CeGaT Center For Human Genetics Tuebingen Variant Classification Criteria Version 2. Collection method: clinical testing. Allele origin: germline. Affected: yes. Observed: 1 variant allele.
Comment: CDH23: BP4, BP7

Laboratory for Molecular Medicine, Mass General Brigham Personalized Medicine
Classification: Likely benign. Last evaluated: 2015-03-25. Review status: criteria provided, single submitter. Criteria: LMM Criteria. Collection method: clinical testing. Allele origin: germline. Observed: 1 variant allele.
Comment: p.Pro1973Pro in exon 45 of CDH23: This variant is not expected to have clinical significance because it does not alter an amino acid residue and is not located within the splice consensus sequence. It has been identified in 4/64764 of Europ ean chromosomes by the Exome Aggregation Consortium (ExAC).

PreventionGenetics, part of Exact Sciences
Classification: Likely benign for CDH23-related condition. Last evaluated: 2019-02-26. Review status: no assertion criteria provided. Collection method: clinical testing. Allele origin: germline. Not counted in ClinVar's aggregate classification.
Comment: This variant is classified as likely benign based on ACMG/AMP sequence variant interpretation guidelines (Richards et al. 2015 PMID: 25741868, with internal and published modifications).